The following is an entry in ClinVar:

NM_003907.3(EIF2B5):c.1894T>C (p.Phe632Leu)

Gene: EIF2B5 (eukaryotic translation initiation factor 2B subunit epsilon; plus strand). Cytogenetic location: 3q27.1.
Variant type: single nucleotide variant.
Coding change: c.1894T>C on transcript NM_003907.3 (MANE Select); coding-DNA position 1894, T replaced by C.
Protein change: p.Phe632Leu; replaces phenylalanine 632 with leucine.
Molecular consequence: missense variant.
Genome position (GRCh38, 1-based): chr3:184,144,123, T>C. VCF-style: chr3-184144123-T-C. GRCh37 (hg19) VCF-style: chr3-183861911-T-C.
Other names: short protein forms F632L.
Identifiers: ClinVar variation 5040457 (VCV005040457.1).
Genomic context (GRCh38, chr3:184,144,123, plus strand): 5'-TAGGAATATACTGCAGCTCCCTTCTTTCTTCCATAGCTGCTAAAGGCCTGGAGCCCTGTT[T>C]TTAGGAACTACATAAAGCGCGCAGCCGACCATTTGGAAGCGTTAGCAGCCATTGAGGACT-3'
Protein context (NP_003898.2, residues 622-642): LPLLKAWSPV[Phe632Leu]RNYIKRAADH

ClinVar aggregate classification (germline): Uncertain significance (1 of 4 stars; one submission).

gnomAD v4.1: 4 of 1,614,240 alleles (0.00025%); highest among the groups gnomAD compares: Non-Finnish European, 0.00034%; no homozygotes.

Submission:

CeGaT Center for Human Genetics Tuebingen
Classification: Uncertain significance. Last evaluated: 2026-08-01. Review status: criteria provided, single submitter. Criteria: CeGaT Center For Human Genetics Tuebingen Variant Classification Criteria Version 2. Collection method: clinical testing. Allele origin: germline. Affected: yes. Observed: 1 variant allele.
Comment: EIF2B5: PM2